The following is an entry in ClinVar:

NM_001379500.1(COL18A1):c.3562C>T (p.Gln1188Ter)

Genes: COL18A1 (collagen type XVIII alpha 1 chain; plus strand), SLC19A1 (solute carrier family 19 member 1; minus strand). Cytogenetic location: 21q22.3.
Variant type: single nucleotide variant.
Coding change: c.3562C>T on transcript NM_001379500.1 (MANE Select); coding-DNA position 3562, C replaced by T.
Protein change: p.Gln1188Ter; replaces glutamine 1188 with a stop codon.
Molecular consequence: nonsense.
Genome position (GRCh38, 1-based): chr21:45,510,130, C>T. VCF-style: chr21-45510130-C-T. GRCh37 (hg19) VCF-style: chr21-46930044-C-T.
Other names: c.4093C>T, p.Gln1365Ter (NM_030582.4); c.4798C>T, p.Gln1600Ter (NM_130444.3); short protein forms Q1188*, Q1365*, Q1600*.
Identifiers: ClinVar variation 1459150 (VCV001459150.6), dbSNP rs2146126679, ClinGen allele CA410501571.

ClinVar aggregate classification (germline): Pathogenic (1 of 4 stars; one submission).

Submission:

Labcorp Genetics (formerly Invitae), Labcorp
Classification: Pathogenic. Last evaluated: 2023-04-12. Review status: criteria provided, single submitter. Criteria: Invitae Variant Classification Sherloc (09022015). Collection method: clinical testing. Allele origin: germline.
Comment: This sequence change creates a premature translational stop signal (p.Gln1185*) in the COL18A1 gene. It is expected to result in an absent or disrupted protein product. Loss-of-function variants in COL18A1 are known to be pathogenic (PMID: 12415512, 25456301). This variant is not present in population databases (gnomAD no frequency). This variant has not been reported in the literature in individuals affected with COL18A1-related conditions. ClinVar contains an entry for this variant (Variation ID: 1459150). For these reasons, this variant has been classified as Pathogenic.

Literature cited by the submitters: PubMed 12415512; PubMed 25456301.